The following is an entry in ClinVar:

NM_025000.4(DCAF17):c.906G>A (p.Trp302Ter)

Gene: DCAF17 (DDB1 and CUL4 associated factor 17; plus strand). Cytogenetic location: 2q31.1.
Variant type: single nucleotide variant.
Coding change: c.906G>A on transcript NM_025000.4 (MANE Select); coding-DNA position 906, G replaced by A.
Protein change: p.Trp302Ter; replaces tryptophan 302 with a stop codon.
Molecular consequence: nonsense. On other transcripts: non-coding transcript variant (1).
Genome position (GRCh38, 1-based): chr2:171,468,955, G>A. VCF-style: chr2-171468955-G-A. GRCh37 (hg19) VCF-style: chr2-172325465-G-A.
Other names: c.906G>A, p.Trp302Ter (NM_001164821.2); short protein forms W302*.
Identifiers: ClinVar variation 31581 (VCV000031581.4), dbSNP rs761229686, ClinGen allele CA1964824.

ClinVar aggregate classification (germline): Pathogenic. Review status: criteria provided, multiple submitters, no conflicts (2 of 4 stars). 3 submissions from 3 submitters: Pathogenic (2). 1 of the submissions does not count toward it. Last evaluated 2025-12-23.

Conditions:
Woodhouse-Sakati syndrome. Also called: Hypogonadism, diabetes mellitus, alopecia, mental retardation and electrocardiographic abnormalities; EXTRAPYRAMIDAL DISORDER, PROGRESSIVE, WITH PRIMARY HYPOGONADISM, MENTAL RETARDATION, AND ALOPECIA; Hypogonadism, Alopecia, Diabetes Mellitus, Mental Retardation, and Extrapyramidal Syndrome. Identifiers: Orphanet 3464, MedGen C0342286, MONDO:0009419, OMIM 241080.

Allele frequency attached by ClinVar (database versions not stated): gnomAD exomes below 0.00001 and 0.00001; ExAC 0.00002.
gnomAD v4.1: 2 of 1,614,068 alleles (0.00012%); highest among the groups gnomAD compares: Non-Finnish European, 0.00017%; no homozygotes.

Submissions (3):

Labcorp Genetics (formerly Invitae), Labcorp
Classification: Pathogenic for Woodhouse-Sakati syndrome. Last evaluated: 2025-12-23. Review status: criteria provided, single submitter. Criteria: Invitae Variant Classification Sherloc (09022015). Collection method: clinical testing. Allele origin: germline.
Comment: This sequence change creates a premature translational stop signal (p.Trp302*) in the DCAF17 gene. It is expected to result in an absent or disrupted protein product. Loss-of-function variants in DCAF17 are known to be pathogenic (PMID: 19026396, 20507343). This variant is present in population databases (rs761229686, gnomAD 0.002%). This premature translational stop signal has been observed in individual(s) with clinical features of Woodhouse-Sakati syndrome (PMID: 20507343). ClinVar contains an entry for this variant (Variation ID: 31581). For these reasons, this variant has been classified as Pathogenic.

Fulgent Genetics
Classification: Pathogenic for Woodhouse-Sakati syndrome. Last evaluated: 2024-06-11. Review status: criteria provided, single submitter. Criteria: ACMG Guidelines, 2015. Collection method: clinical testing. Allele origin: germline.

OMIM
Classification: Pathogenic for WOODHOUSE-SAKATI SYNDROME. Last evaluated: 2010-12-01. Review status: no assertion criteria provided. Collection method: literature only. Allele origin: germline. Not counted in ClinVar's aggregate classification.

Literature cited by the submitters: PubMed 19026396 (cited by Labcorp Genetics (formerly Invitae), Labcorp); PubMed 20507343 (cited by Labcorp Genetics (formerly Invitae), Labcorp and OMIM); PubMed 21044051 (cited by OMIM).